The following is an entry in ClinVar:

ClinVar aggregate classification (germline): Likely benign (0 of 4 stars; one submission).

Conditions:
ATM-related disorder. Also called: ATM-related disorders; ATM-related condition.

Allele frequency attached by ClinVar (database versions not stated): TOPMed 0.00006; gnomAD 0.00001.
gnomAD v4.1: 7 of 1,243,798 alleles (0.00056%); highest among the groups gnomAD compares: Admixed American, 0.0099%; no homozygotes.

Submission:

PreventionGenetics, part of Exact Sciences
Classification: Likely benign for ATM-related condition. Last evaluated: 2019-12-13. Review status: no assertion criteria provided. Collection method: clinical testing. Allele origin: germline.
Comment: This variant is classified as likely benign based on ACMG/AMP sequence variant interpretation guidelines (Richards et al. 2015 PMID: 25741868, with internal and published modifications).

NM_000051.4(ATM):c.5763-1055G>C

Genes: ATM (ATM serine/threonine kinase; plus strand), C11orf65 (chromosome 11 open reading frame 65; minus strand). Cytogenetic location: 11q22.3.
Variant type: single nucleotide variant.
Coding change: c.5763-1055G>C on transcript NM_000051.4 (MANE Select); 1055 bases into the intron before coding-DNA position 5763, G replaced by C.
Molecular consequence: intron variant.
Genome position (GRCh38, 1-based): chr11:108,309,105, G>C. VCF-style: chr11-108309105-G-C. GRCh37 (hg19) VCF-style: chr11-108179832-G-C.
Other names: c.5763-1055G>C (NM_001351834.2); c.641-34C>G (NM_001330368.2); c.*39-34C>G (NM_001351110.2).
Identifiers: ClinVar variation 3048663 (VCV003048663.2), dbSNP rs1350207854, ClinGen allele CA601723678.